The following is an entry in ClinVar:

NM_000038.6(APC):c.8505T>A (p.Ser2835=)

Gene: APC (APC regulator of Wnt signaling pathway; plus strand). Cytogenetic location: 5q22.2.
Variant type: single nucleotide variant.
Coding change: c.8505T>A on transcript NM_000038.6 (MANE Select); coding-DNA position 8505, T replaced by A.
Protein change: p.Ser2835=; no amino-acid change (serine 2835 retained).
Molecular consequence: synonymous variant. On other transcripts: non-coding transcript variant (2).
Genome position (GRCh38, 1-based): chr5:112,844,099, T>A. VCF-style: chr5-112844099-T-A. GRCh37 (hg19) VCF-style: chr5-112179796-T-A.
Other names: c.8505T>A, p.Ser2835= (NM_001127510.3, NM_001354895.2, NM_001407450.1); c.8451T>A, p.Ser2817= (NM_001127511.3); c.8559T>A, p.Ser2853= (NM_001354896.2, NM_001407447.1, NM_001407448.1 and 1 more transcripts); c.8535T>A, p.Ser2845= (NM_001354897.2); c.8430T>A, p.Ser2810= (NM_001354898.2); c.8421T>A, p.Ser2807= (NM_001354899.2); c.8382T>A, p.Ser2794= (NM_001354900.2); c.8328T>A, p.Ser2776= (NM_001354901.2, NM_001407453.1); and 11 more.
Identifiers: ClinVar variation 3254181 (VCV003254181.1), dbSNP rs2533872902.

ClinVar aggregate classification (germline): Benign (1 of 4 stars; one submission).

Conditions:
Familial adenomatous polyposis 1 (FAP1). Also called: FAMILIAL ADENOMATOUS POLYPOSIS 1, ATTENUATED; POLYPOSIS, ADENOMATOUS INTESTINAL. Identifiers: MedGen C2713442, MONDO:0021056, OMIM 175100. Disease mechanism: loss of function.

Submission:

Myriad Genetics, Inc.
Classification: Benign for Familial adenomatous polyposis 1. Last evaluated: 2024-04-16. Review status: criteria provided, single submitter. Criteria: Myriad Autosomal Dominant, Autosomal Recessive and X-Linked Classification Criteria (2023). Collection method: clinical testing. Allele origin: unknown.
Comment: This variant is considered benign. This variant is a silent/synonymous amino acid change and it is not expected to impact splicing.